The following is an entry in ClinVar:

ClinVar aggregate classification (germline): Uncertain significance. Review status: criteria provided, multiple submitters, no conflicts (2 of 4 stars). 2 submissions from 2 submitters: Uncertain significance (2). Last evaluated 2026-01-08.

Conditions:
Skeletal overgrowth-craniofacial dysmorphism-hyperelastic skin-white matter lesions syndrome. Also called: SKELETAL OVERGROWTH WITH FACIAL DYSMORPHISM, HYPERELASTIC SKIN, WHITE MATTER LESIONS, AND NEUROLOGIC DETERIORATION; Kosaki overgrowth syndrome. Identifiers: Orphanet 477831, MedGen C4225270, MONDO:0014704, OMIM 616592.
Infantile myofibromatosis (IMF). Also called: Congenital generalized fibromatosis. Identifiers: Orphanet 2591, MedGen C0432284, MONDO:0016824.
Basal ganglia calcification, idiopathic, 4 (PFBC4). Also called: Familial Idiopathic Basal Ganglia Calcification 4; PRIMARY FAMILIAL BRAIN CALCIFICATION 4, AUTOSOMAL DOMINANT. Identifiers: Orphanet 1980, MedGen C3554321, MONDO:0014004, OMIM 615007.
Acroosteolysis-keloid-like lesions-premature aging syndrome. Also called: Premature aging syndrome, Penttinen type; Prematurely aged appearance, delayed bone maturation, acro-osteolysis, and brachydactyly; Progeroid syndrome, Penttinen type. Identifiers: Orphanet 363665, MedGen C1866182, MONDO:0011150, OMIM 601812.

gnomAD v4.1: 2 of 1,614,068 alleles (0.00012%); highest among the groups gnomAD compares: Admixed American, 0.0033%; no homozygotes.

Submissions (2):

Labcorp Genetics (formerly Invitae), Labcorp
Classification: Uncertain significance for Basal ganglia calcification, idiopathic, 4; Skeletal overgrowth-craniofacial dysmorphism-hyperelastic skin-white matter lesions syndrome; Infantile myofibromatosis; Acroosteolysis-keloid-like lesions-premature aging syndrome. Last evaluated: 2026-01-08. Review status: criteria provided, single submitter. Criteria: Invitae Variant Classification Sherloc (09022015). Collection method: clinical testing. Allele origin: germline.
Comment: This sequence change replaces serine, which is neutral and polar, with threonine, which is neutral and polar, at codon 656 of the PDGFRB protein (p.Ser656Thr). This variant is not present in population databases (gnomAD no frequency). This variant has not been reported in the literature in individuals affected with PDGFRB-related conditions. ClinVar contains an entry for this variant (Variation ID: 3383687). Invitae Evidence Modeling of protein sequence and biophysical properties (such as structural, functional, and spatial information, amino acid conservation, physicochemical variation, residue mobility, and thermodynamic stability) indicates that this missense variant is not expected to disrupt PDGFRB protein function with a negative predictive value of 80%. In summary, the available evidence is currently insufficient to determine the role of this variant in disease. Therefore, it has been classified as a Variant of Uncertain Significance.

GeneDx
Classification: Uncertain significance. Last evaluated: 2024-05-29. Review status: criteria provided, single submitter. Criteria: GeneDx Variant Classification Process June 2021. Collection method: clinical testing. Allele origin: germline. Affected: yes.
Comment: Not observed at significant frequency in large population cohorts (gnomAD); In silico analysis indicates that this missense variant does not alter protein structure/function; Has not been previously published as pathogenic or benign to our knowledge

NM_002609.4(PDGFRB):c.1967G>C (p.Ser656Thr)

Gene: PDGFRB (platelet derived growth factor receptor beta; minus strand). Cytogenetic location: 5q32.
Variant type: single nucleotide variant.
Coding change: c.1967G>C on transcript NM_002609.4 (MANE Select); coding-DNA position 1967, G replaced by C.
Protein change: p.Ser656Thr; replaces serine 656 with threonine.
Molecular consequence: missense variant.
Genome position (GRCh38, 1-based): chr5:150,124,306, C>G on the plus strand (G>C on the coding strand, the complement: PDGFRB is on the minus strand). VCF-style: chr5-150124306-C-G. GRCh37 (hg19) VCF-style: chr5-149503869-C-G.
Other names: c.1775G>C, p.Ser592Thr (NM_001355016.2); c.1484G>C, p.Ser495Thr (NM_001355017.2); short protein forms S495T, S592T, S656T.
Identifiers: ClinVar variation 3383687 (VCV003383687.2).